The following is an entry in ClinVar:

NM_004415.4(DSP):c.2631G>A (p.Arg877=)

Gene: DSP (desmoplakin; plus strand). Cytogenetic location: 6p24.3.
Variant type: single nucleotide variant.
Coding change: c.2631G>A on transcript NM_004415.4 (MANE Select); coding-DNA position 2631, G replaced by A.
Protein change: p.Arg877=; no amino-acid change (arginine 877 retained).
Molecular consequence: synonymous variant.
Genome position (GRCh38, 1-based): chr6:7,576,294, G>A. VCF-style: chr6-7576294-G-A. GRCh37 (hg19) VCF-style: chr6-7576527-G-A.
Other names: p.Arg877=; c.2631G>A, p.Arg877= (NM_001008844.3, NM_001319034.2); c.2631G>A (NM_004415.3).
Identifiers: ClinVar variation 44877 (VCV000044877.40), dbSNP rs1016835, ClinGen allele CA005450.

ClinVar aggregate classification (germline): Benign. Review status: criteria provided, multiple submitters, no conflicts (2 of 4 stars). 22 submissions from 16 submitters: Benign (17). 5 of the submissions do not count toward it. Last evaluated 2026-02-04.

Conditions:
Cardiovascular phenotype. Identifiers: MedGen CN230736.
Cardiomyopathy, dilated, with wooly hair, keratoderma, and tooth agenesis. Also called: Erythrokeratodermia-cardiomyopathy syndrome; Cardiomyopathy, dilated, with woolly hair, keratoderma, and tooth agenesis. Identifiers: Orphanet 476096, Orphanet 65282, MedGen C4014393, MONDO:0014355, OMIM 615821.
Arrhythmogenic right ventricular dysplasia 8 (ARVD8). Also called: ARRHYTHMOGENIC RIGHT VENTRICULAR DYSPLASIA, FAMILIAL, 8; ARRHYTHMOGENIC RIGHT VENTRICULAR CARDIOMYOPATHY 8; Arrhythmogenic Right Ventricular Dysplasia/Cardiomyopathy 8. Identifiers: MedGen C1843896, MONDO:0011831, OMIM 607450.
Arrhythmogenic cardiomyopathy with wooly hair and keratoderma. Also called: Dilated cardiomyopathy with woolly hair and keratoderma; Arrhythmogenic cardiomyopathy with woolly hair and keratoderma; PALMOPLANTAR KERATODERMA WITH LEFT VENTRICULAR CARDIOMYOPATHY AND WOOLLY HAIR; Carvajal syndrome. Identifiers: Orphanet 65282, MedGen C1854063, MONDO:0011581, OMIM 605676.
Cardiomyopathy (CMYO). Also called: Cardiomyopathies. Identifiers: Orphanet 167848, MedGen C0878544, MONDO:0004994, HP:0001638. Inheritance: Various modes of inheritance.
Keratosis palmoplantaris striata 2. Also called: KERATODERMA, PALMOPLANTAR, STRIATE FORM II; STRIATE PALMOPLANTAR KERATODERMA II; Keratosis palmoplantaris striata II. Identifiers: MedGen C1852127, MONDO:0013034, OMIM 612908.
Lethal acantholytic epidermolysis bullosa (EBLA). Identifiers: Orphanet 158687, MedGen C1864826, MONDO:0012323, OMIM 609638.
Woolly hair-skin fragility syndrome (WHSF). Identifiers: Orphanet 293165, MedGen C1843292, MONDO:0957307, OMIM 620415.

Allele frequency attached by ClinVar (database versions not stated): 1000 Genomes Project 30x 0.73204; 1000 Genomes Project 0.73542; gnomAD 0.74603 and 0.74820; ESP Exome Variant Server 0.74812; TOPMed 0.75125; ExAC 0.77179; gnomAD exomes 0.77454 and 0.78574.
gnomAD v4.1: 1,261,643 of 1,612,944 alleles (78%); highest among the groups gnomAD compares: East Asian, 81%; 495,137 homozygotes.

Submissions (22):

Labcorp Genetics (formerly Invitae), Labcorp
Classification: Benign for Arrhythmogenic cardiomyopathy with wooly hair and keratoderma; Arrhythmogenic right ventricular dysplasia 8. Last evaluated: 2026-02-04. Review status: criteria provided, single submitter. Criteria: Invitae Variant Classification Sherloc (09022015). Collection method: clinical testing. Allele origin: germline.

Molecular Diagnostic Laboratory for Inherited Cardiovascular Disease, Montreal Heart Institute
Classification: Benign. Last evaluated: 2025-02-17. Review status: criteria provided, single submitter. Criteria: ACMG Guidelines, 2015. Collection method: clinical testing. Allele origin: germline. Affected: no.

Blueprint Genetics
Classification: Benign. Last evaluated: 2024-11-27. Review status: criteria provided, single submitter. Criteria: ACMG Guidelines, 2015. Collection method: clinical testing. Allele origin: germline.

Genome-Nilou Lab
Classification: Benign for Arrhythmogenic cardiomyopathy with wooly hair and keratoderma. Last evaluated: 2021-07-30. Review status: criteria provided, single submitter. Criteria: ACMG Guidelines, 2015. Collection method: clinical testing. Allele origin: germline. Affected: no.

Genome-Nilou Lab
Classification: Benign for Cardiomyopathy, dilated, with wooly hair, keratoderma, and tooth agenesis. Last evaluated: 2021-07-30. Review status: criteria provided, single submitter. Criteria: ACMG Guidelines, 2015. Collection method: clinical testing. Allele origin: germline. Affected: no.

Genome-Nilou Lab
Classification: Benign for Lethal acantholytic epidermolysis bullosa. Last evaluated: 2021-07-30. Review status: criteria provided, single submitter. Criteria: ACMG Guidelines, 2015. Collection method: clinical testing. Allele origin: germline. Affected: no.

Genome-Nilou Lab
Classification: Benign for Keratosis palmoplantaris striata 2. Last evaluated: 2021-07-30. Review status: criteria provided, single submitter. Criteria: ACMG Guidelines, 2015. Collection method: clinical testing. Allele origin: germline. Affected: no.

Genome-Nilou Lab
Classification: Benign for Arrhythmogenic cardiomyopathy with wooly hair and keratoderma. Last evaluated: 2021-07-30. Review status: criteria provided, single submitter. Criteria: ACMG Guidelines, 2015. Collection method: clinical testing. Allele origin: germline. Affected: no.

Color Diagnostics, LLC DBA Color Health
Classification: Benign for Cardiomyopathy. Last evaluated: 2018-03-09. Review status: criteria provided, single submitter. Criteria: ACMG Guidelines, 2015. Collection method: clinical testing. Allele origin: germline.

Illumina Laboratory Services, Illumina
Classification: Benign for Arrhythmogenic cardiomyopathy with wooly hair and keratoderma. Last evaluated: 2018-01-12. Review status: criteria provided, single submitter. Criteria: ICSL Variant Classification Criteria 13 December 2019. Collection method: clinical testing. Allele origin: germline.
Comment: This variant was observed in the ICSL laboratory as part of a predisposition screen in an ostensibly healthy population. It had not been previously curated by ICSL or reported in the Human Gene Mutation Database (HGMD: prior to June 1st, 2018), and was therefore a candidate for classification through an automated scoring system. Utilizing variant allele frequency, disease prevalence and penetrance estimates, and inheritance mode, an automated score was calculated to assess if this variant is too frequent to cause the disease. Based on the score and internal cut-off values, a variant classified as benign is not then subjected to further curation. The score for this variant resulted in a classification of benign for this disease.

Illumina Laboratory Services, Illumina
Classification: Benign for Lethal acantholytic epidermolysis bullosa. Last evaluated: 2018-01-12. Review status: criteria provided, single submitter. Criteria: ICSL Variant Classification Criteria 13 December 2019. Collection method: clinical testing. Allele origin: germline.
Comment: the same text as in the submission from Illumina Laboratory Services, Illumina above.

Illumina Laboratory Services, Illumina
Classification: Benign for Arrhythmogenic right ventricular dysplasia 8. Last evaluated: 2018-01-12. Review status: criteria provided, single submitter. Criteria: ICSL Variant Classification Criteria 13 December 2019. Collection method: clinical testing. Allele origin: germline.
Comment: the same text as in the submission from Illumina Laboratory Services, Illumina above.

Ambry Genetics
Classification: Benign for Cardiovascular phenotype. Last evaluated: 2015-03-09. Review status: criteria provided, single submitter. Criteria: Ambry Variant Classification Scheme 2023. Collection method: clinical testing. Allele origin: germline.

GeneDx
Classification: Benign. Last evaluated: 2015-03-03. Review status: criteria provided, single submitter. Criteria: GeneDx Variant Classification Process June 2021. Collection method: clinical testing. Allele origin: germline. Affected: yes.

Mayo Clinic Laboratories, Mayo Clinic
Classification: Benign. Last evaluated: 2014-05-07. Review status: criteria provided, single submitter. Criteria: ACMG Guidelines, 2015. Collection method: clinical testing. Allele origin: germline. Observed: 1,223 variant alleles.

Laboratory for Molecular Medicine, Mass General Brigham Personalized Medicine
Classification: Benign. Last evaluated: 2011-07-20. Review status: criteria provided, single submitter. Criteria: LMM Criteria. Collection method: clinical testing. Allele origin: germline. Observed: 1,741 variant alleles.

PreventionGenetics, part of Exact Sciences
Classification: Benign. Review status: criteria provided, single submitter. Criteria: ACMG Guidelines, 2015. Collection method: clinical testing. Allele origin: germline.

Cohesion Phenomics
Classification: Benign for Cardiomyopathy. Last evaluated: 2022-09-23. Review status: no assertion criteria provided. Criteria: ACMG Guidelines, 2015. Collection method: clinical testing. Allele origin: germline. Affected: yes. Not counted in ClinVar's aggregate classification.

Clinical Genetics, Academic Medical Center
Classification: Benign. Review status: no assertion criteria provided. Collection method: clinical testing. Allele origin: germline. Affected: yes. Study: VKGL Data-share Consensus. Not counted in ClinVar's aggregate classification.

Diagnostic Laboratory, Department of Genetics, University Medical Center Groningen
Classification: Benign. Review status: no assertion criteria provided. Collection method: clinical testing. Allele origin: germline. Affected: yes. Study: VKGL Data-share Consensus. Not counted in ClinVar's aggregate classification.

Genome Diagnostics Laboratory, University Medical Center Utrecht
Classification: Benign. Review status: no assertion criteria provided. Collection method: clinical testing. Allele origin: germline. Affected: yes. Study: VKGL Data-share Consensus. Not counted in ClinVar's aggregate classification.

Joint Genome Diagnostic Labs from Nijmegen and Maastricht, Radboudumc and MUMC+
Classification: Benign. Review status: no assertion criteria provided. Collection method: clinical testing. Allele origin: germline. Affected: yes. Study: VKGL Data-share Consensus. Not counted in ClinVar's aggregate classification.